The following is an entry in ClinVar:

ClinVar aggregate classification (germline): Uncertain significance (1 of 4 stars; one submission).

Conditions:
Ataxia-telangiectasia syndrome (AT). Also called: Ataxia-telangiectasia, complementation group E; Ataxia telangiectasia (A-T); LOUIS-BAR SYNDROME; ATAXIA-TELANGIECTASIA, FRESNO VARIANT; AT, COMPLEMENTATION GROUP C; Ataxia-telangiectasia. Identifiers: Orphanet 100, MedGen C0004135, MONDO:0008840, OMIM 208900.

Submission:

Labcorp Genetics (formerly Invitae), Labcorp
Classification: Uncertain significance for Ataxia-telangiectasia syndrome. Last evaluated: 2019-05-20. Review status: criteria provided, single submitter. Criteria: Invitae Variant Classification Sherloc (09022015). Collection method: clinical testing. Allele origin: germline.
Comment: In summary, the available evidence is currently insufficient to determine the role of this variant in disease. Therefore, it has been classified as a Variant of Uncertain Significance. This variant has not been reported in the literature in individuals with ATM-related conditions. Algorithms developed to predict the effect of missense changes on protein structure and function (SIFT, PolyPhen-2, Align-GVGD) all suggest that this variant is likely to be tolerated, but these predictions have not been confirmed by published functional studies and their clinical significance is uncertain. This sequence change replaces glutamine with histidine at codon 513 of the ATM protein (p.Gln513His). The glutamine residue is highly conserved and there is a small physicochemical difference between glutamine and histidine. This variant is not present in population databases (ExAC no frequency).

NM_000051.4(ATM):c.1539G>C (p.Gln513His)

Gene: ATM (ATM serine/threonine kinase; plus strand). Cytogenetic location: 11q22.3.
Variant type: single nucleotide variant.
Coding change: c.1539G>C on transcript NM_000051.4 (MANE Select); coding-DNA position 1539, G replaced by C.
Protein change: p.Gln513His; replaces glutamine 513 with histidine.
Molecular consequence: missense variant.
Genome position (GRCh38, 1-based): chr11:108,251,004, G>C. VCF-style: chr11-108251004-G-C. GRCh37 (hg19) VCF-style: chr11-108121731-G-C.
Other names: c.1539G>C, p.Gln513His (NM_001351834.2); short protein forms Q513H.
Identifiers: ClinVar variation 943716 (VCV000943716.9), dbSNP rs2080116342, ClinGen allele CA382534311.